The following is an entry in ClinVar:

ClinVar aggregate classification (germline): Pathogenic (1 of 4 stars; one submission).

Conditions:
Spastic paraplegia. Identifiers: MedGen C0037772, HP:0001258.

Submission:

Labcorp Genetics (formerly Invitae), Labcorp
Classification: Pathogenic for Spastic paraplegia. Last evaluated: 2024-05-16. Review status: criteria provided, single submitter. Criteria: Invitae Variant Classification Sherloc (09022015). Collection method: clinical testing. Allele origin: germline.
Comment: This sequence change creates a premature translational stop signal (p.Phe911Leufs*70) in the L1CAM gene. It is expected to result in an absent or disrupted protein product. Loss-of-function variants in L1CAM are known to be pathogenic (PMID: 19846429). This variant is not present in population databases (gnomAD no frequency). This variant has not been reported in the literature in individuals affected with L1CAM-related conditions. For these reasons, this variant has been classified as Pathogenic.

Literature cited by the submitters: PubMed 19846429.

NM_001278116.2(L1CAM):c.2733del (p.Phe911fs)

Gene: L1CAM (L1 cell adhesion molecule; minus strand). Cytogenetic location: Xq28.
Variant type: Deletion.
Coding change: c.2733del on transcript NM_001278116.2 (MANE Select); coding-DNA position 2733, one base deleted (C; older notation c.2733delC).
Protein change: p.Phe911fs; shifts the reading frame from phenylalanine 911.
Molecular consequence: frameshift variant.
Genome position (GRCh38, 1-based): chrX:153,865,315, G deleted on the plus strand (C on the coding strand, the reverse complement: L1CAM is on the minus strand). VCF-style (leftmost placement, unchanged base first): chrX-153865314-TG-T. GRCh37 (hg19) VCF-style: chrX-153130769-TG-T.
Other names: c.2733del, p.Phe911fs (NM_000425.5, NM_024003.3); c.2718del, p.Phe906fs (NM_001143963.2); short protein forms F906fs, F911fs.
Identifiers: ClinVar variation 3647668 (VCV003647668.2).